The following is an entry in ClinVar:

NM_001127208.3(TET2):c.2954C>A (p.Pro985His)

Genes: TET2 (tet methylcytosine dioxygenase 2; plus strand), TET2-AS1 (TET2 antisense RNA 1; minus strand). Cytogenetic location: 4q24.
Variant type: single nucleotide variant.
Coding change: c.2954C>A on transcript NM_001127208.3 (MANE Select); coding-DNA position 2954, C replaced by A.
Protein change: p.Pro985His; replaces proline 985 with histidine.
Molecular consequence: missense variant.
Genome position (GRCh38, 1-based): chr4:105,236,896, C>A. VCF-style: chr4-105236896-C-A. GRCh37 (hg19) VCF-style: chr4-106158053-C-A.
Other names: c.2954C>A, p.Pro985His (NM_017628.4); short protein forms P985H.
Identifiers: ClinVar variation 5030787 (VCV005030787.1).

ClinVar aggregate classification (germline): Uncertain significance (1 of 4 stars; one submission).

gnomAD v4.1: 1 of 1,614,114 alleles (0.000062%); highest among the groups gnomAD compares: Non-Finnish European, 0.000085%; no homozygotes.

Submission:

Ambry Genetics
Classification: Uncertain significance. Last evaluated: 2026-09-09. Review status: criteria provided, single submitter. Criteria: Ambry Variant Classification Scheme 2023. Collection method: clinical testing. Allele origin: germline.
Comment: The p.P985H variant (also known as c.2954C>A), located in coding exon 1 of the TET2 gene, results from a C to A substitution at nucleotide position 2954. The proline at codon 985 is replaced by histidine, an amino acid with similar properties. This amino acid position is conserved. In addition, this alteration is predicted to be tolerated by in silico analysis. Based on the available evidence, the clinical significance of this variant remains unclear.